The following is an entry in ClinVar:

ClinVar aggregate classification (germline): Uncertain significance (1 of 4 stars; one submission).

Conditions:
Developmental and epileptic encephalopathy, 31A. Also called: Epileptic encephalopathy, early infantile, 31; Developmental and epileptic encephalopathy, 31. Identifiers: Orphanet 2382, MedGen C4225357, MONDO:0014598, OMIM 616346.

Allele frequency attached by ClinVar (database versions not stated): TOPMed below 0.00001; gnomAD exomes 0.00001; ExAC 0.00008.
gnomAD v4.1: 7 of 1,517,968 alleles (0.00046%); highest among the groups gnomAD compares: South Asian, 0.0012%; no homozygotes.

Submission:

Labcorp Genetics (formerly Invitae), Labcorp
Classification: Uncertain significance for Developmental and epileptic encephalopathy, 31A. Last evaluated: 2024-04-05. Review status: criteria provided, single submitter. Criteria: Invitae Variant Classification Sherloc (09022015). Collection method: clinical testing. Allele origin: germline.
Comment: This sequence change replaces glycine, which is neutral and non-polar, with serine, which is neutral and polar, at codon 5 of the DNM1 protein (p.Gly5Ser). The frequency data for this variant in the population databases is considered unreliable, as metrics indicate poor data quality at this position in the gnomAD database. This variant has not been reported in the literature in individuals affected with DNM1-related conditions. ClinVar contains an entry for this variant (Variation ID: 1385023). Advanced modeling of protein sequence and biophysical properties (such as structural, functional, and spatial information, amino acid conservation, physicochemical variation, residue mobility, and thermodynamic stability) has been performed at Invitae for this missense variant, however the output from this modeling did not meet the statistical confidence thresholds required to predict the impact of this variant on DNM1 protein function. In summary, the available evidence is currently insufficient to determine the role of this variant in disease. Therefore, it has been classified as a Variant of Uncertain Significance.

NM_004408.4(DNM1):c.13G>A (p.Gly5Ser)

Genes: CIZ1 (CDKN1A interacting zinc finger protein 1; minus strand), DNM1 (dynamin 1; plus strand). Cytogenetic location: 9q34.11.
Variant type: single nucleotide variant.
Coding change: c.13G>A on transcript NM_004408.4 (MANE Select); coding-DNA position 13, G replaced by A.
Protein change: p.Gly5Ser; replaces glycine 5 with serine.
Molecular consequence: missense variant. On other transcripts: intron variant (2).
Genome position (GRCh38, 1-based): chr9:128,203,483, G>A. VCF-style: chr9-128203483-G-A. GRCh37 (hg19) VCF-style: chr9-130965762-G-A.
Other names: c.13G>A, p.Gly5Ser (NM_001005336.3, NM_001288737.2, NM_001288738.2 and 2 more transcripts); c.-6+703C>T (NM_001131015.2, NM_012127.3); short protein forms G5S.
Identifiers: ClinVar variation 1385023 (VCV001385023.7), dbSNP rs759483040, ClinGen allele CA5257717.